The following is an entry in ClinVar:

ClinVar aggregate classification (germline): Benign. Review status: criteria provided, single submitter (1 of 4 stars). 2 submissions from 2 submitters: Benign (1). 1 of the submissions does not count toward it. Last evaluated 2025-06-13.

Conditions:
Cataract 33. Also called: CATARACT 33, CORTICAL. Identifiers: Orphanet 91492, MedGen C3808107, MONDO:0012665, OMIM 611391.
BFSP1-related disorder. Also called: BFSP1-related condition.

Allele frequency attached by ClinVar (database versions not stated): 1000 Genomes Project 30x 0.00359; 1000 Genomes Project 0.00300.
gnomAD v4.1: 366 of 1,614,080 alleles (0.023%); highest among the groups gnomAD compares: African/African-American, 0.42%; no homozygotes.

Submissions (2):

Labcorp Genetics (formerly Invitae), Labcorp
Classification: Benign for Cataract 33. Last evaluated: 2025-06-13. Review status: criteria provided, single submitter. Criteria: Invitae Variant Classification Sherloc (09022015). Collection method: clinical testing. Allele origin: germline.

PreventionGenetics, part of Exact Sciences
Classification: Likely benign for BFSP1-related condition. Last evaluated: 2021-05-10. Review status: no assertion criteria provided. Collection method: clinical testing. Allele origin: germline. Not counted in ClinVar's aggregate classification.
Comment: This variant is classified as likely benign based on ACMG/AMP sequence variant interpretation guidelines (Richards et al. 2015 PMID: 25741868, with internal and published modifications).

NM_001195.5(BFSP1):c.1749A>T (p.Pro583=)

Gene: BFSP1 (beaded filament structural protein 1; minus strand). Cytogenetic location: 20p12.1.
Variant type: single nucleotide variant.
Coding change: c.1749A>T on transcript NM_001195.5 (MANE Select); coding-DNA position 1749, A replaced by T.
Protein change: p.Pro583=; no amino-acid change (proline 583 retained).
Molecular consequence: synonymous variant.
Genome position (GRCh38, 1-based): chr20:17,494,323, T>A on the plus strand (A>T on the coding strand, the complement: BFSP1 is on the minus strand). VCF-style: chr20-17494323-T-A. GRCh37 (hg19) VCF-style: chr20-17474968-T-A.
Other names: c.1374A>T, p.Pro458= (NM_001161705.2); c.1332A>T, p.Pro444= (NM_001278606.2, NM_001278608.2); c.1416A>T, p.Pro472= (NM_001278607.2); c.1749A>T (NM_001195.4).
Identifiers: ClinVar variation 1166147 (VCV001166147.11), dbSNP rs6080718, ClinGen allele CA9771993.